The following is an entry in ClinVar:

ClinVar aggregate classification (germline): Uncertain significance (1 of 4 stars; one submission).

Submission:

GeneDx
Classification: Uncertain significance. Last evaluated: 2026-04-08. Review status: criteria provided, single submitter. Criteria: GeneDx Variant Classification Process June 2021. Collection method: clinical testing. Allele origin: germline.
Comment: Not observed at significant frequency in large population cohorts (gnomAD); In silico analysis suggests that this missense variant does not alter protein structure/function; Has not been previously published as pathogenic or benign to our knowledge

NM_001378418.1(TCF20):c.2395G>A (p.Ala799Thr)

Gene: TCF20 (transcription factor 20; minus strand). Cytogenetic location: 22q13.2.
Variant type: single nucleotide variant.
Coding change: c.2395G>A on transcript NM_001378418.1 (MANE Select); coding-DNA position 2395, G replaced by A.
Protein change: p.Ala799Thr; replaces alanine 799 with threonine.
Molecular consequence: missense variant.
Genome position (GRCh38, 1-based): chr22:42,212,911, C>T on the plus strand (G>A on the coding strand, the complement: TCF20 is on the minus strand). VCF-style: chr22-42212911-C-T. GRCh37 (hg19) VCF-style: chr22-42608917-C-T.
Other names: c.2395G>A, p.Ala799Thr (NM_005650.4, NM_181492.3); short protein forms A799T.
Identifiers: ClinVar variation 5018336 (VCV005018336.1).